The following is an entry in ClinVar:

ClinVar aggregate classification (germline): Uncertain significance (1 of 4 stars; one submission).

Conditions:
Glutathione synthetase deficiency with 5-oxoprolinuria. Also called: PYROGLUTAMIC ACIDURIA; 5-Oxoprolinuria; Gluthathione synthetase deficiency; 5-OXOPROLINURIA DUE TO GLUTATHIONE SYNTHETASE DEFICIENCY; Reduced glutathione synthetase level. Identifiers: Orphanet 289846, MedGen C0398746, MONDO:0009947, OMIM 266130, HP:0003343.

Submission:

Labcorp Genetics (formerly Invitae), Labcorp
Classification: Uncertain significance for Glutathione synthetase deficiency with 5-oxoprolinuria. Last evaluated: 2024-10-31. Review status: criteria provided, single submitter. Criteria: Invitae Variant Classification Sherloc (09022015). Collection method: clinical testing. Allele origin: germline.
Comment: This sequence change replaces lysine, which is basic and polar, with glutamine, which is neutral and polar, at codon 364 of the GSS protein (p.Lys364Gln). This variant is not present in population databases (gnomAD no frequency). This variant has not been reported in the literature in individuals affected with GSS-related conditions. Invitae Evidence Modeling of protein sequence and biophysical properties (such as structural, functional, and spatial information, amino acid conservation, physicochemical variation, residue mobility, and thermodynamic stability) indicates that this missense variant is expected to disrupt GSS protein function with a positive predictive value of 80%. In summary, the available evidence is currently insufficient to determine the role of this variant in disease. Therefore, it has been classified as a Variant of Uncertain Significance.

NM_000178.4(GSS):c.1090A>C (p.Lys364Gln)

Gene: GSS (glutathione synthetase; minus strand). Cytogenetic location: 20q11.22.
Variant type: single nucleotide variant.
Coding change: c.1090A>C on transcript NM_000178.4 (MANE Select); coding-DNA position 1090, A replaced by C.
Protein change: p.Lys364Gln; replaces lysine 364 with glutamine.
Molecular consequence: missense variant.
Genome position (GRCh38, 1-based): chr20:34,931,357, T>G on the plus strand (A>C on the coding strand, the complement: GSS is on the minus strand). VCF-style: chr20-34931357-T-G. GRCh37 (hg19) VCF-style: chr20-33519160-T-G.
Other names: c.1090A>C, p.Lys364Gln (NM_001322494.1, NM_001322495.1); short protein forms K364Q.
Identifiers: ClinVar variation 3709844 (VCV003709844.2).